The following is an entry in ClinVar:

NM_000057.4(BLM):c.2774C>T (p.Ser925Phe)

Gene: BLM (BLM RecQ like helicase; plus strand). Cytogenetic location: 15q26.1.
Variant type: single nucleotide variant.
Coding change: c.2774C>T on transcript NM_000057.4 (MANE Select); coding-DNA position 2774, C replaced by T.
Protein change: p.Ser925Phe; replaces serine 925 with phenylalanine.
Molecular consequence: missense variant.
Genome position (GRCh38, 1-based): chr15:90,785,032, C>T. VCF-style: chr15-90785032-C-T. GRCh37 (hg19) VCF-style: chr15-91328262-C-T.
Other names: c.2774C>T, p.Ser925Phe (NM_001287246.2, NM_001287247.2); c.1649C>T, p.Ser550Phe (NM_001287248.2); short protein forms S550F, S925F.
Identifiers: ClinVar variation 2992390 (VCV002992390.3), dbSNP rs2151179877, ClinGen allele CA393846084.

ClinVar aggregate classification (germline): Uncertain significance (1 of 4 stars; one submission).

Conditions:
Bloom syndrome (BLM). Also called: Bloom-Torre-Machacek syndrome. Identifiers: Orphanet 125, MedGen C0005859, MONDO:0008876, OMIM 210900.

Allele frequency attached by ClinVar (database versions not stated): gnomAD exomes below 0.00001.
gnomAD v4.1: 1 of 1,614,154 alleles (0.000062%); highest among the groups gnomAD compares: Non-Finnish European, 0.000085%; no homozygotes.

Submission:

Labcorp Genetics (formerly Invitae), Labcorp
Classification: Uncertain significance for Bloom syndrome. Last evaluated: 2024-04-10. Review status: criteria provided, single submitter. Criteria: Invitae Variant Classification Sherloc (09022015). Collection method: clinical testing. Allele origin: germline.
Comment: This sequence change replaces serine, which is neutral and polar, with phenylalanine, which is neutral and non-polar, at codon 925 of the BLM protein (p.Ser925Phe). This variant is not present in population databases (gnomAD no frequency). This variant has not been reported in the literature in individuals affected with BLM-related conditions. Advanced modeling of protein sequence and biophysical properties (such as structural, functional, and spatial information, amino acid conservation, physicochemical variation, residue mobility, and thermodynamic stability) has been performed at Invitae for this missense variant, however the output from this modeling did not meet the statistical confidence thresholds required to predict the impact of this variant on BLM protein function. In summary, the available evidence is currently insufficient to determine the role of this variant in disease. Therefore, it has been classified as a Variant of Uncertain Significance.